The following is an entry in ClinVar:

ClinVar aggregate classification (germline): Pathogenic (1 of 4 stars; one submission).

Submission:

Labcorp Genetics (formerly Invitae), Labcorp
Classification: Pathogenic. Last evaluated: 2023-03-02. Review status: criteria provided, single submitter. Criteria: Invitae Variant Classification Sherloc (09022015). Collection method: clinical testing. Allele origin: unknown.
Comment: This variant is a gross deletion of the genomic region encompassing exon(s) 16-26 of the PCDH15 gene. This variant would be expected to be in-frame, preserving the integrity of the reading frame. This variant has not been reported in the literature in individuals affected with PCDH15-related conditions. This variant disrupts a region of the PCDH15 protein in which other variant(s) (Deletion (Exons 19-21)) have been determined to be pathogenic (PMID: 34416374). This suggests that this is a clinically significant region of the protein, and that variants that disrupt it are likely to be disease-causing. For these reasons, this variant has been classified as Pathogenic.

Literature cited by the submitters: PubMed 34416374.

NC_000010.10:g.(?_55662983)_(55849843_?)del

Gene: PCDH15 (protocadherin related 15; minus strand). Cytogenetic location: 10q21.1.
Variant type: Deletion.
Identifiers: ClinVar variation 3245020 (VCV003245020.1).